The following is an entry in ClinVar:

ClinVar aggregate classification (germline): Likely benign. Review status: criteria provided, multiple submitters, no conflicts (2 of 4 stars). 2 submissions from 2 submitters: Likely benign (2). Last evaluated 2026-07-22.

Conditions:
LRP2-related disorder. Also called: LRP2-related condition.

gnomAD v4.1: 15 of 1,613,684 alleles (0.00093%); highest among the groups gnomAD compares: Non-Finnish European, 0.0012%; no homozygotes.

Submissions (2):

PreventionGenetics, part of Exact Sciences
Classification: Likely benign for LRP2-related condition. Last evaluated: 2026-07-22. Review status: criteria provided, single submitter. Criteria: ACMG Guidelines, 2015. Collection method: clinical testing. Allele origin: germline.
Comment: This variant is classified as likely benign based on ACMG/AMP sequence variant interpretation guidelines (Richards et al. 2015 PMID: 25741868, with internal and published modifications).

Labcorp Genetics (formerly Invitae), Labcorp
Classification: Likely benign. Last evaluated: 2023-08-02. Review status: criteria provided, single submitter. Criteria: Invitae Variant Classification Sherloc (09022015). Collection method: clinical testing. Allele origin: germline.

NM_004525.3(LRP2):c.1172-8G>T

Gene: LRP2 (LDL receptor related protein 2; minus strand). Cytogenetic location: 2q31.1.
Variant type: single nucleotide variant.
Coding change: c.1172-8G>T on transcript NM_004525.3 (MANE Select); 8 bases into the intron before coding-DNA position 1172, G replaced by T.
Molecular consequence: intron variant.
Genome position (GRCh38, 1-based): chr2:169,280,527, C>A on the plus strand (G>T on the coding strand, the complement: LRP2 is on the minus strand). VCF-style: chr2-169280527-C-A. GRCh37 (hg19) VCF-style: chr2-170137037-C-A.
Other names: c.1172-8G>T (NM_004525.2).
Identifiers: ClinVar variation 2806081 (VCV002806081.4), dbSNP rs115371758, ClinGen allele CA1955630.